The following is an entry in ClinVar:

NM_005559.4(LAMA1):c.1293A>G (p.Glu431=)

Gene: LAMA1 (laminin subunit alpha 1; minus strand). Cytogenetic location: 18p11.31.
Variant type: single nucleotide variant.
Coding change: c.1293A>G on transcript NM_005559.4 (MANE Select); coding-DNA position 1293, A replaced by G.
Protein change: p.Glu431=; no amino-acid change (glutamic acid 431 retained).
Molecular consequence: synonymous variant.
Genome position (GRCh38, 1-based): chr18:7,040,205, T>C on the plus strand (A>G on the coding strand, the complement: LAMA1 is on the minus strand). VCF-style: chr18-7040205-T-C. GRCh37 (hg19) VCF-style: chr18-7040204-T-C.
Identifiers: ClinVar variation 5039814 (VCV005039814.1).
Genomic context (GRCh38, chr18:7,040,205, plus strand): 5'-ACAGGTCGGGTAATCCTTATAGCCAAGTTGGCAGCGATCACATTTTTCTCCTGTATAACC[T>C]TCCTTACATGGGCACTGACCTGGCTGCTTCCCTAGAAAGACAACAATGGCAATGACCCAA-3'
Protein context (NP_005550.2, residues 421-441): GKQPGQCPCK[Glu431=]GYTGEKCDRC

ClinVar aggregate classification (germline): Likely benign (1 of 4 stars; one submission).

gnomAD v4.1: 1 of 1,614,000 alleles (0.000062%); no homozygotes.

Submission:

CeGaT Center for Human Genetics Tuebingen
Classification: Likely benign. Last evaluated: 2026-07-01. Review status: criteria provided, single submitter. Criteria: CeGaT Center For Human Genetics Tuebingen Variant Classification Criteria Version 2. Collection method: clinical testing. Allele origin: germline. Affected: yes. Observed: 1 variant allele.
Comment: LAMA1: BP4, BP7